The following is an entry in ClinVar:

NM_021224.6(ZNF462):c.6001G>C (p.Ala2001Pro)

Gene: ZNF462 (zinc finger protein 462; plus strand). Cytogenetic location: 9q31.2.
Variant type: single nucleotide variant.
Coding change: c.6001G>C on transcript NM_021224.6 (MANE Select); coding-DNA position 6001, G replaced by C.
Protein change: p.Ala2001Pro; replaces alanine 2001 with proline.
Molecular consequence: missense variant.
Genome position (GRCh38, 1-based): chr9:106,930,678, G>C. VCF-style: chr9-106930678-G-C. GRCh37 (hg19) VCF-style: chr9-109692959-G-C.
Other names: c.3406G>C, p.Ala1136Pro (NM_001347997.2); short protein forms A2001P, A1136P.
Identifiers: ClinVar variation 3195942 (VCV003195942.2), dbSNP rs549946790, ClinGen allele CA5172080.

ClinVar aggregate classification (germline): Conflicting classifications of pathogenicity. Review status: criteria provided, conflicting classifications (1 of 4 stars). 2 submissions from 2 submitters: Uncertain significance (1); Likely benign (1). Last evaluated 2026-08-01.

Conditions:
Inborn genetic diseases. Identifiers: MedGen C0950123, MeSH D030342.

Allele frequency attached by ClinVar (database versions not stated): ExAC 0.00002; gnomAD 0.00005; TOPMed 0.00017; 1000 Genomes Project 0.00020; 1000 Genomes Project 30x 0.00031.
gnomAD v4.1: 47 of 1,614,134 alleles (0.0029%); highest among the groups gnomAD compares: Admixed American, 0.018%; no homozygotes.

Submissions (2):

CeGaT Center for Human Genetics Tuebingen
Classification: Likely benign. Last evaluated: 2026-08-01. Review status: criteria provided, single submitter. Criteria: CeGaT Center For Human Genetics Tuebingen Variant Classification Criteria Version 2. Collection method: clinical testing. Allele origin: germline. Affected: yes. Observed: 1 variant allele.
Comment: ZNF462: BS2

Ambry Genetics
Classification: Uncertain significance for Inborn genetic diseases. Last evaluated: 2024-02-21. Review status: criteria provided, single submitter. Criteria: Ambry Variant Classification Scheme 2023. Collection method: clinical testing. Allele origin: germline.